The following is an entry in ClinVar:

NM_001365536.1(SCN9A):c.5377G>A (p.Ala1793Thr)

Genes: SCN1A-AS1 (SCN1A and SCN9A antisense RNA 1; plus strand), SCN9A (sodium voltage-gated channel alpha subunit 9; minus strand). Cytogenetic location: 2q24.3.
Variant type: single nucleotide variant.
Coding change: c.5377G>A on transcript NM_001365536.1 (MANE Select); coding-DNA position 5377, G replaced by A.
Protein change: p.Ala1793Thr; replaces alanine 1793 with threonine.
Molecular consequence: missense variant.
Genome position (GRCh38, 1-based): chr2:166,199,262, C>T on the plus strand (G>A on the coding strand, the complement: SCN9A is on the minus strand). VCF-style: chr2-166199262-C-T. GRCh37 (hg19) VCF-style: chr2-167055772-C-T.
Other names: c.5344G>A, p.Ala1782Thr (NM_002977.4); short protein forms A1782T, A1793T.
Identifiers: ClinVar variation 2922123 (VCV002922123.3), dbSNP rs2468876553, ClinGen allele CA349053168.

ClinVar aggregate classification (germline): Uncertain significance (1 of 4 stars; one submission).

Conditions:
Neuropathy, hereditary sensory and autonomic, type 2A (HSAN2A). Also called: ACROOSTEOLYSIS, GIACCAI TYPE; HSAN IIA; MORVAN DISEASE; NEUROPATHY, CONGENITAL SENSORY; NEUROPATHY, HEREDITARY SENSORY RADICULAR, AUTOSOMAL RECESSIVE; NEUROPATHY, HEREDITARY SENSORY, TYPE IIA. Identifiers: Orphanet 970, MedGen C2752089, MONDO:0024309, OMIM 201300.
Generalized epilepsy with febrile seizures plus, type 7 (GEFSP7). Also called: GEFS+, TYPE 7. Identifiers: Orphanet 36387, MedGen C2751778, MONDO:0013470, OMIM 613863.

Submission:

Labcorp Genetics (formerly Invitae), Labcorp
Classification: Uncertain significance for Neuropathy, hereditary sensory and autonomic, type 2A; Generalized epilepsy with febrile seizures plus, type 7. Last evaluated: 2024-01-11. Review status: criteria provided, single submitter. Criteria: Invitae Variant Classification Sherloc (09022015). Collection method: clinical testing. Allele origin: germline.
Comment: This sequence change replaces alanine, which is neutral and non-polar, with threonine, which is neutral and polar, at codon 1782 of the SCN9A protein (p.Ala1782Thr). This variant is not present in population databases (gnomAD no frequency). This variant has not been reported in the literature in individuals affected with SCN9A-related conditions. Advanced modeling of protein sequence and biophysical properties (such as structural, functional, and spatial information, amino acid conservation, physicochemical variation, residue mobility, and thermodynamic stability) performed at Invitae indicates that this missense variant is not expected to disrupt SCN9A protein function with a negative predictive value of 95%. In summary, the available evidence is currently insufficient to determine the role of this variant in disease. Therefore, it has been classified as a Variant of Uncertain Significance.